The following is an entry in ClinVar:

NM_018389.5(SLC35C1):c.836C>G (p.Ala279Gly)

Gene: SLC35C1 (solute carrier family 35 member C1; plus strand). Cytogenetic location: 11p11.2.
Variant type: single nucleotide variant.
Coding change: c.836C>G on transcript NM_018389.5 (MANE Select); coding-DNA position 836, C replaced by G.
Protein change: p.Ala279Gly; replaces alanine 279 with glycine.
Molecular consequence: missense variant.
Genome position (GRCh38, 1-based): chr11:45,811,076, C>G. VCF-style: chr11-45811076-C-G. GRCh37 (hg19) VCF-style: chr11-45832627-C-G.
Other names: c.797C>G, p.Ala266Gly (NM_001145265.2, NM_001145266.2); short protein forms A279G, A266G.
Identifiers: ClinVar variation 1993373 (VCV001993373.4), dbSNP rs2494706792, ClinGen allele CA380206352.

ClinVar aggregate classification (germline): Uncertain significance (1 of 4 stars; one submission).

Conditions:
Leukocyte adhesion deficiency type II. Also called: CONGENITAL DISORDER OF GLYCOSYLATION, TYPE IIc; CDG IIc; Congenital disorder of glycosylation type 2C; CDG 2C; Leukocyte adhesion deficiency type 2; Rambam Hasharon syndrome. Identifiers: Orphanet 2968, Orphanet 99843, MedGen C0398739, MONDO:0009953, OMIM 266265.

Submission:

Labcorp Genetics (formerly Invitae), Labcorp
Classification: Uncertain significance for Leukocyte adhesion deficiency type II. Last evaluated: 2022-05-12. Review status: criteria provided, single submitter. Criteria: Invitae Variant Classification Sherloc (09022015). Collection method: clinical testing. Allele origin: germline.
Comment: In summary, the available evidence is currently insufficient to determine the role of this variant in disease. Therefore, it has been classified as a Variant of Uncertain Significance. Algorithms developed to predict the effect of missense changes on protein structure and function are either unavailable or do not agree on the potential impact of this missense change (SIFT: "Deleterious"; PolyPhen-2: "Benign"; Align-GVGD: "Class C0"). This variant has not been reported in the literature in individuals affected with SLC35C1-related conditions. This variant is not present in population databases (gnomAD no frequency). This sequence change replaces alanine, which is neutral and non-polar, with glycine, which is neutral and non-polar, at codon 279 of the SLC35C1 protein (p.Ala279Gly).